The following is an entry in ClinVar:

ClinVar aggregate classification (germline): Uncertain significance (1 of 4 stars; one submission).

Conditions:
Beckwith-Wiedemann syndrome (BWS). Also called: Exomphalos macroglossia gigantism syndrome; EMG SYNDROME. Identifiers: Orphanet 116, MedGen C0004903, MONDO:0007534, OMIM 130650.

gnomAD v4.1: 1 of 1,151,906 alleles (0.000087%); highest among the groups gnomAD compares: Non-Finnish European, 0.00011%; no homozygotes.

Submission:

Labcorp Genetics (formerly Invitae), Labcorp
Classification: Uncertain significance for Beckwith-Wiedemann syndrome. Last evaluated: 2024-03-13. Review status: criteria provided, single submitter. Criteria: Invitae Variant Classification Sherloc (09022015). Collection method: clinical testing. Allele origin: germline.
Comment: This sequence change replaces alanine, which is neutral and non-polar, with valine, which is neutral and non-polar, at codon 215 of the CDKN1C protein (p.Ala215Val). This variant is not present in population databases (gnomAD no frequency). This variant has not been reported in the literature in individuals affected with CDKN1C-related conditions. ClinVar contains an entry for this variant (Variation ID: 568766). Advanced modeling of protein sequence and biophysical properties (such as structural, functional, and spatial information, amino acid conservation, physicochemical variation, residue mobility, and thermodynamic stability) performed at Invitae indicates that this missense variant is not expected to disrupt CDKN1C protein function with a negative predictive value of 80%. In summary, the available evidence is currently insufficient to determine the role of this variant in disease. Therefore, it has been classified as a Variant of Uncertain Significance.

NM_001122630.2(CDKN1C):c.611C>T (p.Ala204Val)

Gene: CDKN1C (cyclin dependent kinase inhibitor 1C; minus strand). Cytogenetic location: 11p15.4.
Variant type: single nucleotide variant.
Coding change: c.611C>T on transcript NM_001122630.2 (MANE Select); coding-DNA position 611, C replaced by T.
Protein change: p.Ala204Val; replaces alanine 204 with valine.
Molecular consequence: missense variant. On other transcripts: intron variant (1).
Genome position (GRCh38, 1-based): chr11:2,884,846, G>A on the plus strand (C>T on the coding strand, the complement: CDKN1C is on the minus strand). VCF-style: chr11-2884846-G-A. GRCh37 (hg19) VCF-style: chr11-2906076-G-A.
Other names: c.644C>T, p.Ala215Val (LRG_533t1, NM_000076.2, NM_001362474.2); c.611C>T, p.Ala204Val (NM_001122631.2); c.255+356C>T (NM_001362475.2); short protein forms A215V, A204V.
Identifiers: ClinVar variation 568766 (VCV000568766.6), dbSNP rs1060500176, ClinGen allele CA379146119.
Genomic context (GRCh38, chr11:2,884,846, plus strand): 5'-TGGCCGCGCTGCCCCTGGTTCGCGCCCTGCTCGGCGCTCTCTTGAGGCGCCGCGTCCGGG[G>A]CCGGGGCCGGGGCGGGGGCCGGGGCCGGGGCCGGGGCCGGGGCTGGGGCCGGGGCCGCGA-3'
Protein context (NP_001116102.1, residues 194-214): APAPAPAPAP[Ala204Val]PDAAPQESAE